The following is an entry in ClinVar:

NM_000124.4(ERCC6):c.3319C>T (p.Leu1107Phe)

Gene: ERCC6 (ERCC excision repair 6, chromatin remodeling factor; minus strand). Cytogenetic location: 10q11.23.
Variant type: single nucleotide variant.
Coding change: c.3319C>T on transcript NM_000124.4 (MANE Select); coding-DNA position 3319, C replaced by T.
Protein change: p.Leu1107Phe; replaces leucine 1107 with phenylalanine.
Molecular consequence: missense variant.
Genome position (GRCh38, 1-based): chr10:49,470,641, G>A on the plus strand (C>T on the coding strand, the complement: ERCC6 is on the minus strand). VCF-style: chr10-49470641-G-A. GRCh37 (hg19) VCF-style: chr10-50678687-G-A.
Other names: c.3319C>T, p.Leu1107Phe (NM_001346440.2); short protein forms L1107F.
Identifiers: ClinVar variation 2051501 (VCV002051501.5), dbSNP rs778873369, ClinGen allele CA5495367.

ClinVar aggregate classification (germline): Conflicting classifications of pathogenicity. Review status: criteria provided, conflicting classifications (1 of 4 stars). 2 submissions from 2 submitters: Uncertain significance (1); Likely benign (1). Last evaluated 2025-06-08.

Allele frequency attached by ClinVar (database versions not stated): TOPMed 0.00001; gnomAD exomes 0.00003; ExAC 0.00007.
gnomAD v4.1: 15 of 1,613,566 alleles (0.00093%); highest among the groups gnomAD compares: Admixed American, 0.025%; no homozygotes.

Submissions (2):

Labcorp Genetics (formerly Invitae), Labcorp
Classification: Likely benign. Last evaluated: 2025-06-08. Review status: criteria provided, single submitter. Criteria: Invitae Variant Classification Sherloc (09022015). Collection method: clinical testing. Allele origin: germline.

GeneDx
Classification: Uncertain significance. Last evaluated: 2025-05-22. Review status: criteria provided, single submitter. Criteria: GeneDx Variant Classification Process June 2021. Collection method: clinical testing. Allele origin: germline. Affected: yes.
Comment: In silico analysis suggests that this missense variant does not alter protein structure/function; Has not been previously published as pathogenic or benign to our knowledge